The following is an entry in ClinVar:

ClinVar aggregate classification (germline): Uncertain significance (1 of 4 stars; one submission).

Submission:

Labcorp Genetics (formerly Invitae), Labcorp
Classification: Uncertain significance. Last evaluated: 2024-12-20. Review status: criteria provided, single submitter. Criteria: Invitae Variant Classification Sherloc (09022015). Collection method: clinical testing. Allele origin: germline.
Comment: This sequence change replaces proline, which is neutral and non-polar, with leucine, which is neutral and non-polar, at codon 179 of the ALPK3 protein (p.Pro179Leu). This variant is not present in population databases (gnomAD no frequency). This variant has not been reported in the literature in individuals affected with ALPK3-related conditions. ClinVar contains an entry for this variant (Variation ID: 2043657). An algorithm developed to predict the effect of missense changes on protein structure and function outputs the following: PolyPhen-2: "Benign". The leucine amino acid residue is found in multiple mammalian species, which suggests that this missense change does not adversely affect protein function. In summary, the available evidence is currently insufficient to determine the role of this variant in disease. Therefore, it has been classified as a Variant of Uncertain Significance.

NM_020778.5(ALPK3):c.-71C>T

Gene: ALPK3 (alpha kinase 3; plus strand). Cytogenetic location: 15q25.3.
Variant type: single nucleotide variant.
Coding change: c.-71C>T on transcript NM_020778.5 (MANE Select); 71 bases upstream of the start codon, C replaced by T.
Molecular consequence: 5 prime UTR variant.
Genome position (GRCh38, 1-based): chr15:84,817,382, C>T. VCF-style: chr15-84817382-C-T. GRCh37 (hg19) VCF-style: chr15-85360613-C-T.
Identifiers: ClinVar variation 2043657 (VCV002043657.4), dbSNP rs2505688933, ClinGen allele CA393369112.